The following is an entry in ClinVar:

ClinVar aggregate classification (germline): Uncertain significance (1 of 4 stars; one submission).

Conditions:
Cobalamin C disease. Also called: Cobalamin-C methylmalonic acidemia and homocystinuria; Methylmalonic acidemia and homocystinuria cblC type; Methylmalonic aciduria with homocystinuria cblC type; Methylmalonic aciduria and homocystinuria, Vitamin B12-responsive; Vitamin B12 metabolic defect with combined deficiency of methylmalonyl-CoA mutase and homocysteine:methyltetrahydrofolate methyltransferase; methylmalonic aciduria and homocystinuria type cblC. Identifiers: Orphanet 26, Orphanet 79282, MedGen C1848561, MONDO:0010184, OMIM 277400.

gnomAD v4.1: 12 of 1,614,058 alleles (0.00074%); highest among the groups gnomAD compares: Non-Finnish European, 0.00093%; no homozygotes.

Submission:

Labcorp Genetics (formerly Invitae), Labcorp
Classification: Uncertain significance for Cobalamin C disease. Last evaluated: 2022-04-09. Review status: criteria provided, single submitter. Criteria: Invitae Variant Classification Sherloc (09022015). Collection method: clinical testing. Allele origin: germline.
Comment: This sequence change replaces threonine, which is neutral and polar, with isoleucine, which is neutral and non-polar, at codon 47 of the MMACHC protein (p.Thr47Ile). This variant is present in population databases (rs200920274, gnomAD 0.0009%). This variant has not been reported in the literature in individuals affected with MMACHC-related conditions. Advanced modeling of protein sequence and biophysical properties (such as structural, functional, and spatial information, amino acid conservation, physicochemical variation, residue mobility, and thermodynamic stability) performed at Invitae indicates that this missense variant is expected to disrupt MMACHC protein function. In summary, the available evidence is currently insufficient to determine the role of this variant in disease. Therefore, it has been classified as a Variant of Uncertain Significance.

NM_015506.3(MMACHC):c.140C>T (p.Thr47Ile)

Gene: MMACHC (metabolism of cobalamin associated C; plus strand). Cytogenetic location: 1p34.1.
Variant type: single nucleotide variant.
Coding change: c.140C>T on transcript NM_015506.3 (MANE Select); coding-DNA position 140, C replaced by T.
Protein change: p.Thr47Ile; replaces threonine 47 with isoleucine.
Molecular consequence: missense variant. On other transcripts: 5 prime UTR variant (1).
Genome position (GRCh38, 1-based): chr1:45,507,414, C>T. VCF-style: chr1-45507414-C-T. GRCh37 (hg19) VCF-style: chr1-45973086-C-T.
Other names: c.-32C>T (NM_001330540.2); short protein forms T47I.
Identifiers: ClinVar variation 2193091 (VCV002193091.1), dbSNP rs200920274, ClinGen allele CA827649.